The following is an entry in ClinVar:

ClinVar aggregate classification (germline): Likely pathogenic (0 of 4 stars; one submission).

Conditions:
Hereditary spastic paraplegia 7 (SPG7). Also called: Spastic paraplegia 7; Hereditary spastic paraplegia Paraplegin type; SPASTIC PARAPLEGIA 7, AUTOSOMAL RECESSIVE, WITH OR WITHOUT CEREBELLAR ATAXIA; SPG7-related neurologic disorder; Autosomal recessive spastic paraplegia type 7. Identifiers: Orphanet 99013, MedGen C1846564, MONDO:0011803, OMIM 607259.

Submission:

Solve-RD Consortium
Classification: Likely pathogenic for Hereditary spastic paraplegia 7. Last evaluated: 2022-06-01. Review status: no assertion criteria provided. Collection method: provider interpretation. Allele origin: inherited. Affected: yes.
Comment: Variant confirmed as disease-causing by referring clinical team

Variant identified during reanalysis of unsolved cases by the Solve-RD project. The Solve-RD project has received funding from the European Union’s Horizon 2020 research and innovation programme under grant agreement No 779257.

Literature cited by the submitters: PubMed 39825153.

NM_001048174.2(MUTYH):c.1053del (p.Gln351fs)

Gene: MUTYH (mutY DNA glycosylase; minus strand). Cytogenetic location: 1p34.1.
Variant type: Deletion.
Coding change: c.1053del on transcript NM_001048174.2 (MANE Select); coding-DNA position 1053, one base deleted (G; older notation c.1053delG).
Protein change: p.Gln351fs; shifts the reading frame from glutamine 351.
Molecular consequence: frameshift variant. On other transcripts: non-coding transcript variant (7).
Genome position (GRCh38, 1-based): chr1:45,331,710, C deleted on the plus strand (G on the coding strand, the reverse complement: MUTYH is on the minus strand). VCF-style (leftmost placement, unchanged base first): chr1-45331709-GC-G. GRCh37 (hg19) VCF-style: chr1-45797381-GC-G.
Other names: c.1053del, p.Gln351fs (NM_001048171.2, NM_001048173.2, NM_001293195.2 and 6 more transcripts); c.1056del, p.Gln352fs (NM_001048172.2, NM_001407071.1, NM_001407078.1 and 1 more transcripts); c.1137del, p.Gln379fs (NM_001128425.2); c.1098del, p.Gln366fs (NM_001293190.2); c.1086del, p.Gln362fs (NM_001293191.2, NM_001407069.1, NM_001407077.1); c.777del, p.Gln259fs (NM_001293192.2, NM_001293196.2, NM_001407091.1); c.708del, p.Gln236fs (NM_001350650.2, NM_001350651.2, NM_001407082.1); c.969del, p.Gln323fs (NM_001407075.1); and 5 more; short protein forms Q236fs, Q259fs, Q323fs, Q337fs, Q338fs, Q351fs, Q352fs, Q358fs.
Identifiers: ClinVar variation 3338085 (VCV003338085.1).